The following is an entry in ClinVar:

ClinVar aggregate classification (germline): Benign. Review status: criteria provided, multiple submitters, no conflicts (2 of 4 stars). 6 submissions from 6 submitters: Benign (6). Last evaluated 2026-09-01.

Conditions:
Muscular dystrophy-dystroglycanopathy (congenital with brain and eye anomalies), type a, 12 (MDDGA12). Also called: WALKER-WARBURG SYNDROME OR MUSCLE-EYE-BRAIN DISEASE, POMK-RELATED. Identifiers: Orphanet 899, MedGen C3808964, MONDO:0014101, OMIM 615249.
Limb-girdle muscular dystrophy due to POMK deficiency. Also called: MUSCULAR DYSTROPHY-DYSTROGLYCANOPATHY, LIMB-GIRDLE, POMK-RELATED; Muscular dystrophy-dystroglycanopathy (limb-girdle), type c, 12. Identifiers: Orphanet 445110, MedGen C4015184, MONDO:0014489, OMIM 616094.

Allele frequency attached by ClinVar (database versions not stated): 1000 Genomes Project 30x 0.00422; 1000 Genomes Project 0.00459; gnomAD exomes 0.00679 and 0.01071; ExAC 0.00695; gnomAD 0.00723 and 0.00759; TOPMed 0.00771; ESP Exome Variant Server 0.00907.
gnomAD v4.1: 16,643 of 1,614,132 alleles (1%); highest among the groups gnomAD compares: Non-Finnish European, 1.3%; 105 homozygotes.

Submissions (6):

CeGaT Center for Human Genetics Tuebingen
Classification: Benign. Last evaluated: 2026-09-01. Review status: criteria provided, single submitter. Criteria: CeGaT Center For Human Genetics Tuebingen Variant Classification Criteria Version 2. Collection method: clinical testing. Allele origin: germline. Affected: yes. Observed: 54 variant alleles.
Comment: POMK: BP4, BP7, BS1, BS2

Labcorp Genetics (formerly Invitae), Labcorp
Classification: Benign for Muscular dystrophy-dystroglycanopathy (congenital with brain and eye anomalies), type a, 12; Limb-girdle muscular dystrophy due to POMK deficiency. Last evaluated: 2026-02-01. Review status: criteria provided, single submitter. Criteria: Invitae Variant Classification Sherloc (09022015). Collection method: clinical testing. Allele origin: germline.

Mayo Clinic Laboratories, Mayo Clinic
Classification: Benign. Last evaluated: 2022-08-03. Review status: criteria provided, single submitter. Criteria: ACMG Guidelines, 2015. Collection method: clinical testing. Allele origin: germline. Observed: 10 variant alleles.
Comment: BS1, BS2, BP4, BP7

GeneDx
Classification: Benign. Last evaluated: 2016-03-29. Review status: criteria provided, single submitter. Criteria: GeneDx Variant Classification (06012015). Collection method: clinical testing. Allele origin: germline. Affected: yes.
Comment: This variant is considered likely benign or benign based on one or more of the following criteria: it is a conservative change, it occurs at a poorly conserved position in the protein, it is predicted to be benign by multiple in silico algorithms, and/or has population frequency not consistent with disease.

Breakthrough Genomics
Classification: Benign. Review status: criteria provided, single submitter. Criteria: ACMG Guidelines, 2015. Collection method: not provided. Allele origin: germline. Inheritance: Autosomal recessive inheritance. Affected: yes.

PreventionGenetics, part of Exact Sciences
Classification: Benign. Review status: criteria provided, single submitter. Criteria: ACMG Guidelines, 2015. Collection method: clinical testing. Allele origin: germline.

NM_032237.5(POMK):c.624G>C (p.Leu208=)

Gene: POMK (protein O-mannose kinase; plus strand). Cytogenetic location: 8p11.21.
Variant type: single nucleotide variant.
Coding change: c.624G>C on transcript NM_032237.5 (MANE Select); coding-DNA position 624, G replaced by C.
Protein change: p.Leu208=; no amino-acid change (leucine 208 retained).
Molecular consequence: synonymous variant.
Genome position (GRCh38, 1-based): chr8:43,122,448, G>C. VCF-style: chr8-43122448-G-C. GRCh37 (hg19) VCF-style: chr8-42977591-G-C.
Other names: p.Leu208=; c.624G>C, p.Leu208= (NM_001277971.2).
Identifiers: ClinVar variation 262021 (VCV000262021.39), dbSNP rs34040483, ClinGen allele CA4736325.